The following is an entry in ClinVar:

ClinVar aggregate classification (germline): Uncertain significance. Review status: criteria provided, multiple submitters, no conflicts (2 of 4 stars). 2 submissions from 2 submitters: Uncertain significance (2). Last evaluated 2025-03-07.

Allele frequency attached by ClinVar (database versions not stated): ExAC 0.00003; TOPMed 0.00008; gnomAD 0.00009; ESP Exome Variant Server 0.00015; gnomAD exomes 0.00020.
gnomAD v4.1: 289 of 1,554,138 alleles (0.019%); highest among the groups gnomAD compares: Non-Finnish European, 0.024%; no homozygotes.

Submissions (2):

Labcorp Genetics (formerly Invitae), Labcorp
Classification: Uncertain significance. Last evaluated: 2025-03-07. Review status: criteria provided, single submitter. Criteria: Invitae Variant Classification Sherloc (09022015). Collection method: clinical testing. Allele origin: germline.
Comment: This sequence change replaces isoleucine, which is neutral and non-polar, with valine, which is neutral and non-polar, at codon 733 of the DSTYK protein (p.Ile733Val). The frequency data for this variant in the population databases is considered unreliable, as metrics indicate poor data quality at this position in the gnomAD database. This variant has not been reported in the literature in individuals affected with DSTYK-related conditions. ClinVar contains an entry for this variant (Variation ID: 2236475). An algorithm developed to predict the effect of missense changes on protein structure and function (PolyPhen-2) suggests that this variant is likely to be disruptive. In summary, the available evidence is currently insufficient to determine the role of this variant in disease. Therefore, it has been classified as a Variant of Uncertain Significance.

Ambry Genetics
Classification: Uncertain significance. Last evaluated: 2021-07-13. Review status: criteria provided, single submitter. Criteria: Ambry Variant Classification Scheme 2023. Collection method: clinical testing. Allele origin: germline.

NM_015375.3(DSTYK):c.2197A>G (p.Ile733Val)

Gene: DSTYK (dual serine/threonine and tyrosine protein kinase; minus strand). Cytogenetic location: 1q32.1.
Variant type: single nucleotide variant.
Coding change: c.2197A>G on transcript NM_015375.3 (MANE Select); coding-DNA position 2197, A replaced by G.
Protein change: p.Ile733Val; replaces isoleucine 733 with valine.
Molecular consequence: missense variant.
Genome position (GRCh38, 1-based): chr1:205,159,588, T>C on the plus strand (A>G on the coding strand, the complement: DSTYK is on the minus strand). VCF-style: chr1-205159588-T-C. GRCh37 (hg19) VCF-style: chr1-205128716-T-C.
Other names: c.2197A>G (NM_015375.2); c.2197A>G, p.Ile733Val (NM_199462.3); short protein forms I733V.
Identifiers: ClinVar variation 2236475 (VCV002236475.7), dbSNP rs373307614, ClinGen allele CA1352639.
Genomic context (GRCh38, chr1:205,159,588, plus strand): 5'-GATCTTGCTCTCTCCTTACCTTCAGCCCTGTGTAGAGATCCCGGTGTAGCCGCTCCATAA[T>C]GAGGAGCACAGCAATGCTGGAGCCACCACCATAGTTGTAGTCAATGACTGAACCATGGAG-3'
Protein context (NP_056190.1, residues 723-743): GGGSSIAVLL[Ile733Val]MERLHRDLYT